The following is an entry in ClinVar:

NM_002691.4(POLD1):c.1086C>T (p.Pro362=)

Gene: POLD1 (DNA polymerase delta 1, catalytic subunit; plus strand). Cytogenetic location: 19q13.33.
Variant type: single nucleotide variant.
Coding change: c.1086C>T on transcript NM_002691.4 (MANE Select); coding-DNA position 1086, C replaced by T.
Protein change: p.Pro362=; no amino-acid change (proline 362 retained).
Molecular consequence: synonymous variant. On other transcripts: non-coding transcript variant (1).
Genome position (GRCh38, 1-based): chr19:50,403,168, C>T. VCF-style: chr19-50403168-C-T. GRCh37 (hg19) VCF-style: chr19-50906425-C-T.
Other names: c.1086C>T, p.Pro362= (NM_001256849.1, NM_001308632.1).
Identifiers: ClinVar variation 2902456 (VCV002902456.5), dbSNP rs1379420694, ClinGen allele CA508182699.

ClinVar aggregate classification (germline): Benign/Likely benign. Review status: criteria provided, multiple submitters, no conflicts (2 of 4 stars). 3 submissions from 3 submitters: Benign (1); Likely benign (2). Last evaluated 2025-02-05.

Conditions:
POLD1-related polyposis and colorectal cancer syndrome (CRCS10). Also called: Colorectal cancer 10; COLORECTAL CANCER, SUSCEPTIBILITY TO, ON CHROMOSOME 19q; Colorectal cancer, susceptibility to, 10. Identifiers: Orphanet 220460, MedGen C2675481, MONDO:0012953, OMIM 612591.

gnomAD v4.1: 2 of 1,562,226 alleles (0.00013%); highest among the groups gnomAD compares: Admixed American, 0.0038%; no homozygotes.

Submissions (3):

Myriad Genetics, Inc.
Classification: Benign for POLD1-related polyposis and colorectal cancer syndrome. Last evaluated: 2025-02-05. Review status: criteria provided, single submitter. Criteria: Myriad Autosomal Dominant, Autosomal Recessive and X-Linked Classification Criteria (2023). Collection method: clinical testing. Allele origin: unknown.
Comment: This variant is considered benign. This variant is a silent/synonymous amino acid change and it is not expected to impact splicing.

Labcorp Genetics (formerly Invitae), Labcorp
Classification: Likely benign for POLD1-related polyposis and colorectal cancer syndrome. Last evaluated: 2023-10-09. Review status: criteria provided, single submitter. Criteria: Invitae Variant Classification Sherloc (09022015). Collection method: clinical testing. Allele origin: germline.

Blueprint Genetics
Classification: Likely benign. Last evaluated: 2020-10-21. Review status: criteria provided, single submitter. Criteria: ACMG Guidelines, 2015. Collection method: clinical testing. Allele origin: germline.